The following is an entry in ClinVar:

NM_002299.4(LCT):c.3286G>A (p.Ala1096Thr)

Gene: LCT (lactase; minus strand). Cytogenetic location: 2q21.3.
Variant type: single nucleotide variant.
Coding change: c.3286G>A on transcript NM_002299.4 (MANE Select); coding-DNA position 3286, G replaced by A.
Protein change: p.Ala1096Thr; replaces alanine 1096 with threonine.
Molecular consequence: missense variant.
Genome position (GRCh38, 1-based): chr2:135,809,061, C>T on the plus strand (G>A on the coding strand, the complement: LCT is on the minus strand). VCF-style: chr2-135809061-C-T. GRCh37 (hg19) VCF-style: chr2-136566631-C-T.
Other names: c.3286G>A (LRG_338t1); short protein forms A1096T.
Identifiers: ClinVar variation 331189 (VCV000331189.10), dbSNP rs146467199, ClinGen allele CA1888086.

ClinVar aggregate classification (germline): Conflicting classifications of pathogenicity. Review status: criteria provided, conflicting classifications (1 of 4 stars). 3 submissions from 3 submitters: Uncertain significance (2); Likely benign (1). Last evaluated 2024-11-01.

Conditions:
Inborn genetic diseases. Identifiers: MedGen C0950123, MeSH D030342.

Allele frequency attached by ClinVar (database versions not stated): 1000 Genomes Project 30x 0.00047; TOPMed 0.00053; 1000 Genomes Project 0.00060; gnomAD exomes 0.00060 and 0.00084; ExAC 0.00066; gnomAD 0.00066; ESP Exome Variant Server 0.00092.
gnomAD v4.1: 1,326 of 1,613,452 alleles (0.082%); highest among the groups gnomAD compares: Non-Finnish European, 0.097%; 1 homozygote.

Submissions (3):

Blueprint Genetics
Classification: Likely benign. Last evaluated: 2024-11-01. Review status: criteria provided, single submitter. Criteria: ACMG Guidelines, 2015. Collection method: clinical testing. Allele origin: germline.

Ambry Genetics
Classification: Uncertain significance for Inborn genetic diseases. Last evaluated: 2024-08-21. Review status: criteria provided, single submitter. Criteria: Ambry Variant Classification Scheme 2023. Collection method: clinical testing. Allele origin: germline.

Labcorp Genetics (formerly Invitae), Labcorp
Classification: Uncertain significance. Last evaluated: 2022-10-26. Review status: criteria provided, single submitter. Criteria: Invitae Variant Classification Sherloc (09022015). Collection method: clinical testing. Allele origin: germline.
Comment: This sequence change replaces alanine, which is neutral and non-polar, with threonine, which is neutral and polar, at codon 1096 of the LCT protein (p.Ala1096Thr). This variant is present in population databases (rs146467199, gnomAD 0.09%), and has an allele count higher than expected for a pathogenic variant. This variant has not been reported in the literature in individuals affected with LCT-related conditions. ClinVar contains an entry for this variant (Variation ID: 331189). Advanced modeling of protein sequence and biophysical properties (such as structural, functional, and spatial information, amino acid conservation, physicochemical variation, residue mobility, and thermodynamic stability) performed at Invitae indicates that this missense variant is not expected to disrupt LCT protein function. In summary, the available evidence is currently insufficient to determine the role of this variant in disease. Therefore, it has been classified as a Variant of Uncertain Significance.